The following is an entry in ClinVar:

NM_000552.5(VWF):c.3173C>T (p.Ser1058Phe)

Gene: VWF (von Willebrand factor; minus strand). Cytogenetic location: 12p13.31.
Variant type: single nucleotide variant.
Coding change: c.3173C>T on transcript NM_000552.5 (MANE Select); coding-DNA position 3173, C replaced by T.
Protein change: p.Ser1058Phe; replaces serine 1058 with phenylalanine.
Molecular consequence: missense variant.
Genome position (GRCh38, 1-based): chr12:6,025,629, G>A on the plus strand (C>T on the coding strand, the complement: VWF is on the minus strand). VCF-style: chr12-6025629-G-A. GRCh37 (hg19) VCF-style: chr12-6134795-G-A.
Other names: short protein forms S1058F.
Identifiers: ClinVar variation 2682103 (VCV002682103.1), dbSNP rs2497534153, ClinGen allele CA383513559.

ClinVar aggregate classification (germline): Uncertain significance (1 of 4 stars; one submission).

Submission:

Quest Diagnostics Nichols Institute San Juan Capistrano
Classification: Uncertain significance. Last evaluated: 2022-09-17. Review status: criteria provided, single submitter. Criteria: Quest Diagnostics criteria. Collection method: clinical testing. Allele origin: unknown.
Comment: This variant has not been reported in the published literature. It also has not been reported in large, multi-ethnic general populations. Analysis of this variant using bioinformatics tools for the prediction of the effect of amino acid changes on protein structure and function yielded predictions that this variant is damaging. Based on the available information, we are unable to determine the clinical significance of this variant.